The following is an entry in ClinVar:

NM_000264.5(PTCH1):c.488AAG[2] (p.Glu165del)

Gene: PTCH1 (patched 1; minus strand). Cytogenetic location: 9q22.32.
Variant type: Microsatellite.
Coding change: c.488AAG[2] on transcript NM_000264.5 (MANE Select); two copies in a row of the 3-base unit AAG starting at c.488; the reference has three copies in a row; one copy, 3 bases deleted.
Protein change: p.Glu165del; deletes glutamic acid 165.
Molecular consequence: inframe deletion. On other transcripts: non-coding transcript variant (1).
Genome position (GRCh38, 1-based): chr9:95,485,773-95,485,775, CTT deleted on the plus strand (AAG on the coding strand, the reverse complement: PTCH1 is on the minus strand); deleting any 3 consecutive bases within chr9:95,485,773-95,485,781 gives the same sequence; the position shown is the placement nearest the transcript's 3' end. VCF-style (leftmost placement, unchanged base first): chr9-95485772-CCTT-C. GRCh37 (hg19) VCF-style: chr9-98248054-CCTT-C.
Other names: c.35AAG[2], p.Glu14del (NM_001083607.3, NM_001083604.3, NM_001083605.3 and 1 more transcripts); c.488AAG[2], p.Glu165del (NM_001354918.2); c.290AAG[2], p.Glu99del (NM_001354919.2, NM_001083602.3); c.485AAG[2], p.Glu164del (NM_001083603.3); short protein forms E165del, E99del, E14del, E164del.
Identifiers: ClinVar variation 578609 (VCV000578609.41), dbSNP rs1201611173, ClinGen allele CA868802664.

ClinVar aggregate classification (germline): Uncertain significance. Review status: criteria provided, multiple submitters, no conflicts (2 of 4 stars). 3 submissions from 3 submitters: Uncertain significance (3). Last evaluated 2025-11-30.

Conditions:
Hereditary cancer-predisposing syndrome. Also called: Tumor predisposition; Hereditary Cancer Syndrome; Hereditary neoplastic syndrome; Neoplastic Syndromes, Hereditary. Identifiers: Orphanet 140162, MedGen C0027672, MeSH D009386, MONDO:0015356.
Gorlin syndrome. Also called: Basal cell nevus syndrome; Nevoid Basal Cell Carcinoma Syndrome. Identifiers: Orphanet 377, MedGen C0004779, MONDO:0007187.

Submissions (3):

Labcorp Genetics (formerly Invitae), Labcorp
Classification: Uncertain significance for Gorlin syndrome. Last evaluated: 2025-11-30. Review status: criteria provided, single submitter. Criteria: Invitae Variant Classification Sherloc (09022015). Collection method: clinical testing. Allele origin: germline.
Comment: This variant, c.494_496del, results in the deletion of 1 amino acid(s) of the PTCH1 protein (p.Glu165del), but otherwise preserves the integrity of the reading frame. This variant is not present in population databases (gnomAD no frequency). This variant has not been reported in the literature in individuals affected with PTCH1-related conditions. Experimental studies and prediction algorithms are not available or were not evaluated, and the functional significance of this variant is currently unknown. In summary, the available evidence is currently insufficient to determine the role of this variant in disease. Therefore, it has been classified as a Variant of Uncertain Significance.

Ambry Genetics
Classification: Uncertain significance for Hereditary cancer-predisposing syndrome. Last evaluated: 2025-03-10. Review status: criteria provided, single submitter. Criteria: Ambry Variant Classification Scheme 2023. Collection method: clinical testing. Allele origin: germline.
Comment: The c.494_496delAAG variant (also known as p.E165del) is located in coding exon 3 of the PTCH1 gene. This variant results from an in-frame AAG deletion at nucleotide positions 494 to 496. This results in the in-frame deletion of a glutamic acid at codon 165. This amino acid position is well conserved in available vertebrate species. Since supporting evidence is limited at this time, the clinical significance of this alteration remains unclear.

CeGaT Center for Human Genetics Tuebingen
Classification: Uncertain significance. Last evaluated: 2023-02-01. Review status: criteria provided, single submitter. Criteria: CeGaT Center For Human Genetics Tuebingen Variant Classification Criteria Version 2. Collection method: clinical testing. Allele origin: germline. Affected: yes. Observed: 1 variant allele.